The following is an entry in ClinVar:

ClinVar aggregate classification (germline): Pathogenic (1 of 4 stars; one submission).

Submission:

Labcorp Genetics (formerly Invitae), Labcorp
Classification: Pathogenic. Last evaluated: 2023-11-17. Review status: criteria provided, single submitter. Criteria: Invitae Variant Classification Sherloc (09022015). Collection method: clinical testing. Allele origin: germline.
Comment: This sequence change creates a premature translational stop signal (p.Gly2511Trpfs*8) in the COL7A1 gene. It is expected to result in an absent or disrupted protein product. Loss-of-function variants in COL7A1 are known to be pathogenic (PMID: 16971478). This variant is not present in population databases (gnomAD no frequency). This variant has not been reported in the literature in individuals affected with COL7A1-related conditions. For these reasons, this variant has been classified as Pathogenic.

Literature cited by the submitters: PubMed 16971478.

NM_000094.4(COL7A1):c.7530dup (p.Gly2511fs)

Gene: COL7A1 (collagen type VII alpha 1 chain; minus strand). Cytogenetic location: 3p21.31.
Variant type: Duplication.
Coding change: c.7530dup on transcript NM_000094.4 (MANE Select); coding-DNA position 7530, one base duplicated (T; older notation c.7530dupT).
Protein change: p.Gly2511fs; shifts the reading frame from glycine 2511.
Molecular consequence: frameshift variant.
Genome position (GRCh38, 1-based): chr3:48,569,752, A duplicated on the plus strand (T on the coding strand, the reverse complement: COL7A1 is on the minus strand); the first of 2 consecutive A bases (chr3:48,569,752-48,569,753); duplicating either gives the same sequence. VCF-style (leftmost placement, unchanged base first): chr3-48569751-C-CA. GRCh37 (hg19) VCF-style: chr3-48607184-C-CA.
Other names: short protein forms G2511fs.
Identifiers: ClinVar variation 2696385 (VCV002696385.3), dbSNP rs2530849127, ClinGen allele CA2697550902.